The following is an entry in ClinVar:

NM_001211.6(BUB1B):c.3028T>A (p.Ser1010Thr)

Genes: BUB1B (BUB1 mitotic checkpoint serine/threonine kinase B; plus strand), BUB1B-PAK6 (BUB1B-PAK6 readthrough; plus strand). Cytogenetic location: 15q15.1.
Variant type: single nucleotide variant.
Coding change: c.3028T>A on transcript NM_001211.6 (MANE Select); coding-DNA position 3028, T replaced by A.
Protein change: p.Ser1010Thr; replaces serine 1010 with threonine.
Molecular consequence: missense variant. On other transcripts: intron variant (2).
Genome position (GRCh38, 1-based): chr15:40,220,634, T>A. VCF-style: chr15-40220634-T-A. GRCh37 (hg19) VCF-style: chr15-40512835-T-A.
Other names: c.-201+2967T>A (NM_001128628.3); c.-118+2967T>A (NM_001128629.3); short protein forms S1010T.
Identifiers: ClinVar variation 4600305 (VCV004600305.1).

ClinVar aggregate classification (germline): Uncertain significance (1 of 4 stars; one submission).

Conditions:
Inborn genetic diseases. Identifiers: MedGen C0950123, MeSH D030342.

Submission:

Ambry Genetics
Classification: Uncertain significance for Inborn genetic diseases. Last evaluated: 2025-10-05. Review status: criteria provided, single submitter. Criteria: Ambry Variant Classification Scheme 2023. Collection method: clinical testing. Allele origin: germline.
Comment: The p.S1010T variant (also known as c.3028T>A), located in coding exon 23 of the BUB1B gene, results from a T to A substitution at nucleotide position 3028. The serine at codon 1010 is replaced by threonine, an amino acid with similar properties. This amino acid position is conserved. In addition, this alteration is predicted to be tolerated by in silico analysis. Based on the available evidence, the clinical significance of this variant remains unclear.